The following is an entry in ClinVar:

ClinVar aggregate classification (germline): Uncertain significance (1 of 4 stars; one submission).

gnomAD v4.1: 2 of 1,613,930 alleles (0.00012%); highest among the groups gnomAD compares: Non-Finnish European, 0.000085%; no homozygotes.

Submission:

Labcorp Genetics (formerly Invitae), Labcorp
Classification: Uncertain significance. Last evaluated: 2022-07-29. Review status: criteria provided, single submitter. Criteria: Invitae Variant Classification Sherloc (09022015). Collection method: clinical testing. Allele origin: germline.
Comment: This variant has not been reported in the literature in individuals affected with PCLO-related conditions. This sequence change replaces alanine, which is neutral and non-polar, with valine, which is neutral and non-polar, at codon 733 of the PCLO protein (p.Ala733Val). This variant is present in population databases (no rsID available, gnomAD 0.0009%). Algorithms developed to predict the effect of missense changes on protein structure and function output the following: SIFT: "Tolerated"; PolyPhen-2: "Not Available"; Align-GVGD: "Class C0". The valine amino acid residue is found in multiple mammalian species, which suggests that this missense change does not adversely affect protein function. In summary, the available evidence is currently insufficient to determine the role of this variant in disease. Therefore, it has been classified as a Variant of Uncertain Significance.

NM_033026.6(PCLO):c.2198C>T (p.Ala733Val)

Gene: PCLO (piccolo presynaptic cytomatrix protein; minus strand). Cytogenetic location: 7q21.11.
Variant type: single nucleotide variant.
Coding change: c.2198C>T on transcript NM_033026.6 (MANE Select); coding-DNA position 2198, C replaced by T.
Protein change: p.Ala733Val; replaces alanine 733 with valine.
Molecular consequence: missense variant.
Genome position (GRCh38, 1-based): chr7:83,135,352, G>A on the plus strand (C>T on the coding strand, the complement: PCLO is on the minus strand). VCF-style: chr7-83135352-G-A. GRCh37 (hg19) VCF-style: chr7-82764668-G-A.
Other names: c.2198C>T, p.Ala733Val (NM_014510.3); short protein forms A733V.
Identifiers: ClinVar variation 1714253 (VCV001714253.5), dbSNP rs1330342222, ClinGen allele CA367903978.
Genomic context (GRCh38, chr7:83,135,352, plus strand): 5'-TTATCATCAGCAACAGGGGCCTTGTCCTGCTCAGATGGGACAGAAGGTTCTTTGGGAGGG[G>A]CTGGCTTGGACAAAGAATCTGCCTCAGGGGGCTGCTTGGCCTTGGCTGAAGGAGAGCCAT-3'
Protein context (NP_149015.2, residues 723-743): PPEADSLSKP[Ala733Val]PPKEPSVPSE